The following is an entry in ClinVar:

ClinVar aggregate classification (germline): Uncertain significance. Review status: criteria provided, multiple submitters, no conflicts (2 of 4 stars). 3 submissions from 3 submitters: Uncertain significance (3). Last evaluated 2025-05-12.

Conditions:
Inborn genetic diseases. Identifiers: MedGen C0950123, MeSH D030342.

Allele frequency attached by ClinVar (database versions not stated): TOPMed below 0.00001; ExAC 0.00001; gnomAD 0.00001; ESP Exome Variant Server 0.00008.
gnomAD v4.1: 10 of 1,613,388 alleles (0.00062%); highest among the groups gnomAD compares: Admixed American, 0.0017%; no homozygotes.

Submissions (3):

GeneDx
Classification: Uncertain significance. Last evaluated: 2025-05-12. Review status: criteria provided, single submitter. Criteria: GeneDx Variant Classification Process June 2021. Collection method: clinical testing. Allele origin: germline. Affected: yes.
Comment: In silico analysis supports that this missense variant has a deleterious effect on protein structure/function; Has not been previously published as pathogenic or benign to our knowledge

Ambry Genetics
Classification: Uncertain significance for Inborn genetic diseases. Last evaluated: 2024-11-20. Review status: criteria provided, single submitter. Criteria: Ambry Variant Classification Scheme 2023. Collection method: clinical testing. Allele origin: germline.

Labcorp Genetics (formerly Invitae), Labcorp
Classification: Uncertain significance. Last evaluated: 2022-08-17. Review status: criteria provided, single submitter. Criteria: Invitae Variant Classification Sherloc (09022015). Collection method: clinical testing. Allele origin: germline.
Comment: This sequence change replaces arginine, which is basic and polar, with tryptophan, which is neutral and slightly polar, at codon 107 of the MACF1 protein (p.Arg107Trp). This variant is present in population databases (rs377731994, gnomAD 0.002%). This variant has not been reported in the literature in individuals affected with MACF1-related conditions. Algorithms developed to predict the effect of missense changes on protein structure and function are either unavailable or do not agree on the potential impact of this missense change (SIFT: "Deleterious"; PolyPhen-2: "Probably Damaging"; Align-GVGD: "Class C0"). In summary, the available evidence is currently insufficient to determine the role of this variant in disease. Therefore, it has been classified as a Variant of Uncertain Significance.

NM_001394062.1(MACF1):c.208C>T (p.Arg70Trp)

Gene: MACF1 (microtubule actin crosslinking factor 1; plus strand). Cytogenetic location: 1p34.3.
Variant type: single nucleotide variant.
Coding change: c.208C>T on transcript NM_001394062.1 (MANE Select); coding-DNA position 208, C replaced by T.
Protein change: p.Arg70Trp; replaces arginine 70 with tryptophan.
Molecular consequence: missense variant.
Genome position (GRCh38, 1-based): chr1:39,250,050, C>T. VCF-style: chr1-39250050-C-T. GRCh37 (hg19) VCF-style: chr1-39715722-C-T.
Other names: c.319C>T, p.Arg107Trp (NM_012090.5); c.319C>T (NM_012090.4); short protein forms R107W, R70W.
Identifiers: ClinVar variation 1939466 (VCV001939466.7), dbSNP rs377731994, ClinGen allele CA779117.